The following is an entry in ClinVar:

NM_000489.6(ATRX):c.489T>A (p.Asp163Glu)

Gene: ATRX (ATRX chromatin remodeler; minus strand). Cytogenetic location: Xq21.1.
Variant type: single nucleotide variant.
Coding change: c.489T>A on transcript NM_000489.6 (MANE Select); coding-DNA position 489, T replaced by A.
Protein change: p.Asp163Glu; replaces aspartic acid 163 with glutamic acid.
Molecular consequence: missense variant.
Genome position (GRCh38, 1-based): chrX:77,688,923, A>T on the plus strand (T>A on the coding strand, the complement: ATRX is on the minus strand). VCF-style: chrX-77688923-A-T. GRCh37 (hg19) VCF-style: chrX-76944416-A-T.
Other names: c.375T>A, p.Asp125Glu (NM_138270.5); short protein forms D125E, D163E.
Identifiers: ClinVar variation 2830217 (VCV002830217.3), dbSNP rs2520079088, ClinGen allele CA413722811.

ClinVar aggregate classification (germline): Uncertain significance (1 of 4 stars; one submission).

Conditions:
Alpha thalassemia-X-linked intellectual disability syndrome (ATRX). Also called: ALPHA-THALASSEMIA/MENTAL RETARDATION SYNDROME, X-LINKED; ATR, NONDELETION TYPE; ATR-X syndrome; Alpha thalassemia mental retardation syndrome, nondeletion type, X-linked; XLMR hypotonic face syndrome; X-linked alpha-thalassemia-mental retardation syndrome. Identifiers: Orphanet 847, MedGen C1845055, MONDO:0010519, OMIM 301040.

Submission:

Labcorp Genetics (formerly Invitae), Labcorp
Classification: Uncertain significance for Alpha thalassemia-X-linked intellectual disability syndrome. Last evaluated: 2023-01-19. Review status: criteria provided, single submitter. Criteria: Invitae Variant Classification Sherloc (09022015). Collection method: clinical testing. Allele origin: germline.
Comment: In summary, the available evidence is currently insufficient to determine the role of this variant in disease. Therefore, it has been classified as a Variant of Uncertain Significance. Advanced modeling of protein sequence and biophysical properties (such as structural, functional, and spatial information, amino acid conservation, physicochemical variation, residue mobility, and thermodynamic stability) performed at Invitae indicates that this missense variant is not expected to disrupt ATRX protein function. This variant has not been reported in the literature in individuals affected with ATRX-related conditions. This variant is not present in population databases (gnomAD no frequency). This sequence change replaces aspartic acid, which is acidic and polar, with glutamic acid, which is acidic and polar, at codon 163 of the ATRX protein (p.Asp163Glu).